The following is an entry in ClinVar:

ClinVar aggregate classification (germline): Conflicting classifications of pathogenicity. Review status: criteria provided, conflicting classifications (1 of 4 stars). 2 submissions from 2 submitters: Uncertain significance (1); Benign (1). Last evaluated 2022-09-13.

Allele frequency attached by ClinVar (database versions not stated): 1000 Genomes Project 30x 0.29700; 1000 Genomes Project 0.29772; TOPMed 0.31978; gnomAD 0.34319.
gnomAD v4.1: 582,213 of 1,551,906 alleles (38%); highest among the groups gnomAD compares: South Asian, 41%; 111,779 homozygotes.

Submissions (2):

ARUP Laboratories, Molecular Genetics and Genomics, ARUP Laboratories
Classification: Uncertain significance. Last evaluated: 2022-09-13. Review status: criteria provided, single submitter. Criteria: ARUP Molecular Germline Variant Investigation Process 2021. Collection method: clinical testing. Allele origin: germline.

GeneDx
Classification: Benign. Last evaluated: 2018-07-09. Review status: criteria provided, single submitter. Criteria: GeneDx Variant Classification Process June 2021. Collection method: clinical testing. Allele origin: germline. Affected: yes.
Comment: This variant is associated with the following publications: (PMID: 26202972, 15716465)

NM_019076.5(UGT1A8):c.855+63319T>G

Genes: UGT1A (UDP glucuronosyltransferase family 1 member A complex locus; plus strand), UGT1A10 (UDP glucuronosyltransferase family 1 member A10; plus strand), UGT1A8 (UDP glucuronosyltransferase family 1 member A8; plus strand), UGT1A9 (UDP glucuronosyltransferase family 1 member A9; plus strand). Cytogenetic location: 2q37.1.
Variant type: single nucleotide variant.
Coding change: c.855+63319T>G on transcript NM_019076.5 (MANE Select); 63319 bases into the intron after coding-DNA position 855, T replaced by G.
Molecular consequence: intron variant.
Genome position (GRCh38, 1-based): chr2:233,681,881, T>G. VCF-style: chr2-233681881-T-G. GRCh37 (hg19) VCF-style: chr2-234590527-T-G.
Other names: c.855+44504T>G (NM_019075.4); c.855+9092T>G (NM_021027.3).
Identifiers: ClinVar variation 440384 (VCV000440384.17), dbSNP rs7586110, ClinGen allele CA11102067.
Genomic context (GRCh38, chr2:233,681,881, plus strand): 5'-AAATGAATGAATAAGTACACGCCTTCTTTTGAGGGCAGGTTCTATCTGTACTTCTTCCAC[T>G]TACTATATTATAGGAGCTTAGAATCCCAGCTGCTGGCTCTGGGCTGAAGTTCTCTGATGG-3'